The following is an entry in ClinVar:

ClinVar aggregate classification (germline): Conflicting classifications of pathogenicity. Review status: criteria provided, conflicting classifications (1 of 4 stars). 3 submissions from 3 submitters: Likely pathogenic (1); Uncertain significance (1). 1 of the submissions does not count toward it. Last evaluated 2022-04-29.

Conditions:
Developmental and epileptic encephalopathy, 35 (DEE35). Also called: Epileptic encephalopathy, early infantile, 35. Identifiers: Orphanet 457375, MedGen C4225256, MONDO:0014719, OMIM 616647.
ITPA-related encephalopathy.
Inosine triphosphatase deficiency. Also called: INOSINE TRIPHOSPHATE PYROPHOSPHOHYDROLASE DEFICIENCY. Identifiers: MedGen C0342800, MONDO:0013461, OMIM 613850.

Allele frequency attached by ClinVar (database versions not stated): gnomAD exomes 0.00001; TOPMed 0.00001.
gnomAD v4.1: 8 of 1,614,150 alleles (0.0005%); highest among the groups gnomAD compares: South Asian, 0.0055%; no homozygotes.

Submissions (3):

Labcorp Genetics (formerly Invitae), Labcorp
Classification: Uncertain significance for Inosine triphosphatase deficiency. Last evaluated: 2022-04-29. Review status: criteria provided, single submitter. Criteria: Invitae Variant Classification Sherloc (09022015). Collection method: clinical testing. Allele origin: germline.
Comment: This sequence change replaces glycine, which is neutral and non-polar, with serine, which is neutral and polar, at codon 85 of the ITPA protein (p.Gly85Ser). This variant is present in population databases (no rsID available, gnomAD 0.003%). This variant has not been reported in the literature in individuals affected with ITPA-related conditions. Algorithms developed to predict the effect of missense changes on protein structure and function (SIFT, PolyPhen-2, Align-GVGD) all suggest that this variant is likely to be disruptive. In summary, the available evidence is currently insufficient to determine the role of this variant in disease. Therefore, it has been classified as a Variant of Uncertain Significance.

Neuberg Centre For Genomic Medicine, NCGM
Classification: Likely pathogenic for Developmental and epileptic encephalopathy, 35. Review status: criteria provided, single submitter. Criteria: ACMG Guidelines, 2015. Collection method: clinical testing. Allele origin: germline. Inheritance: Autosomal recessive inheritance. Affected: yes.
Comment: The missense c.253G>A p.Gly85Ser variant in ITPA gene has been reported in heterozygous state in multiple individuals affected with epileptic encephalopathy Scala et al., 2022. The p.Gly85Ser variant is reported with allele frequency of 0.0004% in gnomAD exomes and is novel not in any individuals in 1000 Genomes. This variant has been reported to the ClinVar database as Variant of Uncertain Significance. The amino acid change p.Gly85Ser in ITPA is predicted as conserved by GERP++ and PhyloP across 100 vertebrates. The amino acid Gly at position 85 is changed to a Ser changing protein sequence and it might alter its composition and physico-chemical properties. However, additional functional studies will be required to prove the pathogenicity of this variant. For these reasons, this variant has been classified as Likely Pathogenic.

Hong-Tao Li Lab, Institute of Brain Science and Brain-inspired Research, Shandong First Medical University & Shandong Academy of Medical Sciences China
Classification: Uncertain significance for ITPA-related encephalopathy. Last evaluated: 2026-06-28. Review status: no assertion criteria provided. Collection method: research. Allele origin: germline. Inheritance: Autosomal recessive inheritance. Affected: yes. Observed: 1 variant allele, 1 homozygote. Not counted in ClinVar's aggregate classification.

NM_033453.4(ITPA):c.253G>A (p.Gly85Ser)

Gene: ITPA (inosine triphosphatase; plus strand). Cytogenetic location: 20p13.
Variant type: single nucleotide variant.
Coding change: c.253G>A on transcript NM_033453.4 (MANE Select); coding-DNA position 253, G replaced by A.
Protein change: p.Gly85Ser; replaces glycine 85 with serine.
Molecular consequence: missense variant. On other transcripts: 5 prime UTR variant (4), non-coding transcript variant (2).
Genome position (GRCh38, 1-based): chr20:3,214,048, G>A. VCF-style: chr20-3214048-G-A. GRCh37 (hg19) VCF-style: chr20-3194694-G-A.
Other names: c.130G>A, p.Gly44Ser (NM_001267623.2); c.-85G>A (NM_001324236.2, NM_001324237.2, NM_001324238.2 and 1 more transcripts); c.253G>A, p.Gly85Ser (NM_001324240.2, NM_001424408.1); c.379G>A, p.Gly127Ser (NM_001424409.1); c.202G>A, p.Gly68Ser (NM_181493.4); short protein forms G68S, G85S, G44S, G127S.
Identifiers: ClinVar variation 1986978 (VCV001986978.3), dbSNP rs1343080275, ClinGen allele CA408077884.